The following is an entry in ClinVar:

ClinVar aggregate classification (germline): Likely pathogenic. Review status: criteria provided, multiple submitters, no conflicts (2 of 4 stars). 3 submissions from 3 submitters: Likely pathogenic (2). 1 of the submissions does not count toward it. Last evaluated 2025-06-06.

Conditions:
Lamellar ichthyosis. Identifiers: Orphanet 313, MedGen C5848247, MONDO:0017778.
Autosomal recessive congenital ichthyosis 10 (ARCI10). Identifiers: Orphanet 79394, MedGen C3554355, MONDO:0014011, OMIM 615024.
Congenital ichthyosiform erythroderma. Identifiers: MedGen C0079583, HP:0007431.

Allele frequency attached by ClinVar (database versions not stated): gnomAD exomes below 0.00001; TOPMed below 0.00001; ExAC 0.00001; gnomAD 0.00001.
gnomAD v4.1: 13 of 1,613,916 alleles (0.00081%); highest among the groups gnomAD compares: South Asian, 0.0055%; no homozygotes.

Submissions (3):

Women's Health and Genetics/Laboratory Corporation of America, LabCorp
Classification: Likely pathogenic for Lamellar ichthyosis. Last evaluated: 2025-06-06. Review status: criteria provided, single submitter. Criteria: LabCorp Variant Classification Summary - May 2015. Collection method: clinical testing. Allele origin: germline.
Comment: Variant summary: PNPLA1 c.464C>T (p.Pro155Leu) results in a non-conservative amino acid change located in the Patatin-like phospholipase domain (IPR002641) of the encoded protein sequence. Algorithms developed to predict the effect of missense changes on protein structure and function all suggest that this variant is likely to be disruptive. The variant allele was found at a frequency of 8.1e-06 in 1606920 control chromosomes in the gnomAD database (v4.1 dataset). This frequency is not significantly higher than estimated for a pathogenic variant in PNPLA1 causing Lamellar Ichthyosis (8.1e-06 vs 0.00043), allowing no conclusion about variant significance. c.464C>T has been observed in compound heterozygous state in multiple individuals affected with Lamellar Ichthyosis, including two affected (siblings) from the same family (e.g. Boyden_2017). To our knowledge, no experimental evidence demonstrating an impact on protein function has been reported. The following publication have been ascertained in the context of this evaluation (PMID: 28403545). ClinVar contains an entry for this variant (Variation ID: 684636). Based on the evidence outlined above, the variant was classified as likely pathogenic.

Neuberg Centre For Genomic Medicine, NCGM
Classification: Likely pathogenic for Autosomal recessive congenital ichthyosis 10. Last evaluated: 2023-05-20. Review status: criteria provided, single submitter. Criteria: ACMG Guidelines, 2015. Collection method: clinical testing. Allele origin: germline. Inheritance: Autosomal recessive inheritance. Affected: yes.
Comment: The observed missense c.464C>T(p.Pro155Leu) variant in PNPLA1 gene has been reported previously in compound heterozygous state in individuals affected with congenital ichthyosis (Boyden LM, et al., 2017). The p.Pro155Leu variant has been reported with allele frequency of 0.0004% in gnomAD Exomes. This variant has been reported to the ClinVar database as Pathogenic. Multiple lines of computational evidences (Polyphen - Probably damaging, SIFT - Damaging and MutationTaster - Disease causing) predict a damaging effect on protein structure and function for this variant. The amino acid change p.Pro155Leu in PNPLA1 is predicted as conserved by GERP++ and PhyloP across 100 vertebrates. The amino acid Pro at position 155 is changed to a Leu changing protein sequence and it might alter its composition and physico-chemical properties. However, additional functional studies will be required to prove the pathogenicity of this variant. For these reasons, this variant has been classified as Likely Pathogenic.

Yale Center for Mendelian Genomics, Yale University
Classification: Pathogenic for Congenital ichthyosis. Last evaluated: 2017-06-07. Review status: no assertion criteria provided. Collection method: literature only. Allele origin: de novo. Affected: yes. Observed: 3 compound heterozygotes. Not counted in ClinVar's aggregate classification.

Literature cited by the submitters: PubMed 28403545 (cited by Women's Health and Genetics/Laboratory Corporation of America, LabCorp and Yale Center for Mendelian Genomics, Yale University).

NM_001374623.1(PNPLA1):c.464C>T (p.Pro155Leu)

Gene: PNPLA1 (patatin like domain 1, omega-hydroxyceramide transacylase; plus strand). Cytogenetic location: 6p21.31.
Variant type: single nucleotide variant.
Coding change: c.464C>T on transcript NM_001374623.1 (MANE Select); coding-DNA position 464, C replaced by T.
Protein change: p.Pro155Leu; replaces proline 155 with leucine.
Molecular consequence: missense variant.
Genome position (GRCh38, 1-based): chr6:36,293,086, C>T. VCF-style: chr6-36293086-C-T. GRCh37 (hg19) VCF-style: chr6-36260863-C-T.
Other names: c.464C>T, p.Pro155Leu (NM_001145717.1); c.179C>T, p.Pro60Leu (NM_001145716.2, NM_173676.2); short protein forms P155L, P60L.
Identifiers: ClinVar variation 684636 (VCV000684636.3), dbSNP rs766188849, ClinGen allele CA3777716.